The following is an entry in ClinVar:

ClinVar aggregate classification (germline): Uncertain significance. Review status: criteria provided, multiple submitters, no conflicts (2 of 4 stars). 3 submissions from 3 submitters: Uncertain significance (3). Last evaluated 2024-07-11.

Conditions:
Bethlem myopathy 2 (BTHLM2). Identifiers: Orphanet 536516, Orphanet 610, MedGen C4225313, MONDO:0034022, OMIM 616471.
Ullrich congenital muscular dystrophy 2 (UCMD2). Identifiers: Orphanet 75840, MedGen C4225314, MONDO:0014654, OMIM 616470.

Allele frequency attached by ClinVar (database versions not stated): TOPMed below 0.00001.
gnomAD v4.1: 1 of 1,614,030 alleles (0.000062%); highest among the groups gnomAD compares: East Asian, 0.0022%; no homozygotes.

Submissions (3):

Labcorp Genetics (formerly Invitae), Labcorp
Classification: Uncertain significance for Bethlem myopathy 2; Ullrich congenital muscular dystrophy 2. Last evaluated: 2024-07-11. Review status: criteria provided, single submitter. Criteria: Invitae Variant Classification Sherloc (09022015). Collection method: clinical testing. Allele origin: germline.
Comment: This sequence change replaces threonine, which is neutral and polar, with serine, which is neutral and polar, at codon 769 of the COL12A1 protein (p.Thr769Ser). This variant is not present in population databases (gnomAD no frequency). This variant has not been reported in the literature in individuals affected with COL12A1-related conditions. ClinVar contains an entry for this variant (Variation ID: 2440250). Advanced modeling of protein sequence and biophysical properties (such as structural, functional, and spatial information, amino acid conservation, physicochemical variation, residue mobility, and thermodynamic stability) performed at Invitae indicates that this missense variant is not expected to disrupt COL12A1 protein function with a negative predictive value of 80%. In summary, the available evidence is currently insufficient to determine the role of this variant in disease. Therefore, it has been classified as a Variant of Uncertain Significance.

GeneDx
Classification: Uncertain significance. Last evaluated: 2024-03-18. Review status: criteria provided, single submitter. Criteria: GeneDx Variant Classification Process June 2021. Collection method: clinical testing. Allele origin: germline. Affected: yes.
Comment: Has not been previously published as pathogenic or benign to our knowledge; Not observed at significant frequency in large population cohorts (gnomAD); In silico analysis supports that this missense variant does not alter protein structure/function

Revvity Omics, Revvity
Classification: Uncertain significance. Last evaluated: 2020-04-14. Review status: criteria provided, single submitter. Criteria: ACMG Guidelines, 2015. Collection method: clinical testing. Allele origin: germline.

NM_004370.6(COL12A1):c.2306C>G (p.Thr769Ser)

Gene: COL12A1 (collagen type XII alpha 1 chain; minus strand). Cytogenetic location: 6q13.
Variant type: single nucleotide variant.
Coding change: c.2306C>G on transcript NM_004370.6 (MANE Select); coding-DNA position 2306, C replaced by G.
Protein change: p.Thr769Ser; replaces threonine 769 with serine.
Molecular consequence: missense variant. On other transcripts: intron variant (1).
Genome position (GRCh38, 1-based): chr6:75,177,794, G>C on the plus strand (C>G on the coding strand, the complement: COL12A1 is on the minus strand). VCF-style: chr6-75177794-G-C. GRCh37 (hg19) VCF-style: chr6-75887510-G-C.
Other names: c.73+24926C>G (NM_080645.3); short protein forms T769S.
Identifiers: ClinVar variation 2440250 (VCV002440250.7), dbSNP rs1582185171, ClinGen allele CA364764067.